The following is an entry in ClinVar:

NM_001242896.3(DEPDC5):c.3776A>G (p.Lys1259Arg)

Gene: DEPDC5 (DEP domain containing 5, GATOR1 subcomplex subunit; plus strand). Cytogenetic location: 22q12.3.
Variant type: single nucleotide variant.
Coding change: c.3776A>G on transcript NM_001242896.3 (MANE Select); coding-DNA position 3776, A replaced by G.
Protein change: p.Lys1259Arg; replaces lysine 1259 with arginine.
Molecular consequence: missense variant. On other transcripts: non-coding transcript variant (2).
Genome position (GRCh38, 1-based): chr22:31,876,236, A>G. VCF-style: chr22-31876236-A-G. GRCh37 (hg19) VCF-style: chr22-32272222-A-G.
Other names: c.3692A>G, p.Lys1231Arg (NM_001369901.1, NM_001369902.1); c.3683A>G, p.Lys1228Arg (NM_001369903.1, NM_014662.6); c.3749A>G, p.Lys1250Arg (NM_001136029.4); c.3476A>G, p.Lys1159Arg (NM_001242897.2); c.3710A>G, p.Lys1237Arg (NM_001363852.2, NM_001364320.2); c.3542A>G, p.Lys1181Arg (NM_001363854.2, NM_001364319.2); c.3776A>G, p.Lys1259Arg (NM_001364318.2); c.3776A>G (NM_001242896.1); short protein forms K1159R, K1181R, K1237R, K1259R, K1231R, K1228R, K1250R.
Identifiers: ClinVar variation 2968476 (VCV002968476.5), dbSNP rs769966783, ClinGen allele CA10197087.

ClinVar aggregate classification (germline): Uncertain significance. Review status: criteria provided, multiple submitters, no conflicts (2 of 4 stars). 3 submissions from 3 submitters: Uncertain significance (3). Last evaluated 2025-08-08.

Conditions:
Familial focal epilepsy with variable foci (FPEVF). Identifiers: Orphanet 98820, MedGen C1858477, MONDO:0020310.
Inborn genetic diseases. Identifiers: MedGen C0950123, MeSH D030342.

Allele frequency attached by ClinVar (database versions not stated): ExAC 0.00001; gnomAD exomes 0.00001.
gnomAD v4.1: 18 of 1,613,984 alleles (0.0011%); highest among the groups gnomAD compares: Non-Finnish European, 0.0015%; no homozygotes.

Submissions (3):

Ambry Genetics
Classification: Uncertain significance for Inborn genetic diseases. Last evaluated: 2025-08-08. Review status: criteria provided, single submitter. Criteria: Ambry Variant Classification Scheme 2023. Collection method: clinical testing. Allele origin: germline.

Labcorp Genetics (formerly Invitae), Labcorp
Classification: Uncertain significance for Familial focal epilepsy with variable foci. Last evaluated: 2023-08-17. Review status: criteria provided, single submitter. Criteria: Invitae Variant Classification Sherloc (09022015). Collection method: clinical testing. Allele origin: germline.
Comment: In summary, the available evidence is currently insufficient to determine the role of this variant in disease. Therefore, it has been classified as a Variant of Uncertain Significance. This sequence change replaces lysine, which is basic and polar, with arginine, which is basic and polar, at codon 1259 of the DEPDC5 protein (p.Lys1259Arg). This variant is present in population databases (rs769966783, gnomAD 0.0009%). This variant has not been reported in the literature in individuals affected with DEPDC5-related conditions. Experimental studies and prediction algorithms are not available or were not evaluated, and the functional significance of this variant is currently unknown.

Blueprint Genetics
Classification: Uncertain significance. Last evaluated: 2021-10-22. Review status: criteria provided, single submitter. Criteria: ACMG Guidelines, 2015. Collection method: clinical testing. Allele origin: germline.